The following is an entry in ClinVar:

NM_000093.5(COL5A1):c.65C>A (p.Pro22Gln)

Gene: COL5A1 (collagen type V alpha 1 chain; plus strand). Cytogenetic location: 9q34.3.
Variant type: single nucleotide variant.
Coding change: c.65C>A on transcript NM_000093.5 (MANE Select); coding-DNA position 65, C replaced by A.
Protein change: p.Pro22Gln; replaces proline 22 with glutamine.
Molecular consequence: missense variant.
Genome position (GRCh38, 1-based): chr9:134,642,252, C>A. VCF-style: chr9-134642252-C-A. GRCh37 (hg19) VCF-style: chr9-137534098-C-A.
Other names: p.P22Q:CCG>CAG; c.65C>A, p.Pro22Gln (NM_001278074.1); short protein forms P22Q.
Identifiers: ClinVar variation 213026 (VCV000213026.6), dbSNP rs863223467, ClinGen allele CA321619.

ClinVar aggregate classification (germline): Conflicting classifications of pathogenicity. Review status: criteria provided, conflicting classifications (1 of 4 stars). 3 submissions from 3 submitters: Uncertain significance (1); Benign (1); Likely benign (1). Last evaluated 2026-01-31.

Conditions:
Ehlers-Danlos syndrome, classic type, 1 (EDSCL1). Also called: Ehlers-Danlos Syndrome, Classic Type, COL5A1-Related; EHLERS-DANLOS SYNDROME, GRAVIS TYPE; EHLERS-DANLOS SYNDROME, SEVERE CLASSIC TYPE; Ehlers-Danlos syndrome, type 1; EDS I. Identifiers: MedGen C0268335, MONDO:0019567, OMIM 130000.

Allele frequency attached by ClinVar (database versions not stated): gnomAD exomes 0.00005.
gnomAD v4.1: 37 of 1,270,278 alleles (0.0029%); highest among the groups gnomAD compares: Non-Finnish European, 0.0037%; no homozygotes.

Submissions (3):

Labcorp Genetics (formerly Invitae), Labcorp
Classification: Benign for Ehlers-Danlos syndrome, classic type, 1. Last evaluated: 2026-01-31. Review status: criteria provided, single submitter. Criteria: Invitae Variant Classification Sherloc (09022015). Collection method: clinical testing. Allele origin: germline.

Women's Health and Genetics/Laboratory Corporation of America, LabCorp
Classification: Likely benign. Last evaluated: 2025-07-09. Review status: criteria provided, single submitter. Criteria: LabCorp Variant Classification Summary - May 2015. Collection method: clinical testing. Allele origin: germline.
Comment: Variant summary: COL5A1 c.65C>A (p.Pro22Gln) results in a non-conservative amino acid change in the encoded protein sequence. Algorithms developed to predict the effect of missense changes on protein structure and function are either unavailable or do not agree on the potential impact of this missense change. The variant allele was found at a frequency of 1.6e-06 in 1270278 control chromosomes, predominantly at a frequency of 3.7e-05 within the Non-Finnish European subpopulation in the gnomAD database. The observed variant frequency within Non-Finnish European control individuals in the gnomAD database is approximately 1.18 fold of the estimated maximal expected allele frequency for a pathogenic variant in COL5A1 causing Ehlers-Danlos syndrome, classic type, Ehlers-Danlos syndrome, classic type, 1 phenotype (3.1e-05). To our knowledge, no occurrence of c.65C>A in individuals affected with Ehlers-Danlos syndrome, classic type, Ehlers-Danlos syndrome, classic type, 1 and no experimental evidence demonstrating its impact on protein function have been reported. ClinVar contains an entry for this variant (Variation ID: 213026). Based on the evidence outlined above, the variant was classified as likely benign.

GeneDx
Classification: Uncertain significance. Last evaluated: 2013-11-15. Review status: criteria provided, single submitter. Criteria: GeneDx Variant Classification (06012015). Collection method: clinical testing. Allele origin: germline. Affected: yes.
Comment: p.Pro22Gln (CCG>CAG): c.65 C>A in exon 1 of the COL5A1 gene (NM_000093.3) The Pro22Gln variant in the COL5A1 gene has not been reported as a disease-causing mutation or as a benign polymorphism to our knowledge. Pro22Gln results in a non-conservative amino acid substitution of a non-polar Proline with a neutral, polar Glutamine at a position that is not conserved across species. In silico analysis predicts Pro22Arg is benign to the protein structure/function. Mutations in a nearby residue (Leu25Pro, Leu25Arg) have been reported in association with Ehlers Danlos syndrome (EDS), supporting the functional importance of this region of the protein. With the clinical and molecular information available at this time, we cannot definitively determine if Pro22Gln is a disease-causing mutation or a rare benign variant. The pathogenic role for this variant would be further supported if it occurred de novo or if it co-segregates, independently, with an EDS phenotype. This variant was found in TAAD